The following is an entry in ClinVar:

NM_018368.4(LMBRD1):c.940T>G (p.Leu314Val)

Gene: LMBRD1 (LMBR1 domain containing 1; minus strand). Cytogenetic location: 6q13.
Variant type: single nucleotide variant.
Coding change: c.940T>G on transcript NM_018368.4 (MANE Select); coding-DNA position 940, T replaced by G.
Protein change: p.Leu314Val; replaces leucine 314 with valine.
Molecular consequence: missense variant.
Genome position (GRCh38, 1-based): chr6:69,701,929, A>C on the plus strand (T>G on the coding strand, the complement: LMBRD1 is on the minus strand). VCF-style: chr6-69701929-A-C. GRCh37 (hg19) VCF-style: chr6-70411821-A-C.
Other names: c.721T>G, p.Leu241Val (NM_001363722.2, NM_001367271.1, NM_001367272.1); short protein forms L314V, L241V.
Identifiers: ClinVar variation 1373620 (VCV001373620.4), dbSNP rs1409901040, ClinGen allele CA364665214.
Genomic context (GRCh38, chr6:69,701,929, plus strand): 5'-AATGTGTCTACTGTACTTACTTTGACAAGAAGAGAGAAATTACAAACAGCAATGCAACTA[A>C]GATGAAAAATATTCCCCAGACGATCTAAAAGCAAAAATATATTCATTAAAATATAGTTCT-3'
Protein context (NP_060838.3, residues 304-324): LKIVWGIFFI[Leu314Val]VALLFVISLF

ClinVar aggregate classification (germline): Uncertain significance (1 of 4 stars; one submission).

Conditions:
Methylmalonic aciduria and homocystinuria type cblF. Also called: COBALAMIN F DISEASE; COBALAMIN, DEFECT IN LYSOSOMAL RELEASE OF; METHYLMALONIC ACIDEMIA AND HOMOCYSTINURIA, cblF TYPE; METHYLMALONIC ACIDURIA DUE TO VITAMIN B12-RELEASE DEFECT; VITAMIN B12 LYSOSOMAL RELEASE DEFECT; VITAMIN B12 STORAGE DISEASE. Identifiers: Orphanet 79284, MedGen C1848578, MONDO:0010183, OMIM 277380.

Submission:

Labcorp Genetics (formerly Invitae), Labcorp
Classification: Uncertain significance for Methylmalonic aciduria and homocystinuria type cblF. Last evaluated: 2021-12-02. Review status: criteria provided, single submitter. Criteria: Invitae Variant Classification Sherloc (09022015). Collection method: clinical testing. Allele origin: germline.
Comment: In summary, the available evidence is currently insufficient to determine the role of this variant in disease. Therefore, it has been classified as a Variant of Uncertain Significance. Algorithms developed to predict the effect of missense changes on protein structure and function are either unavailable or do not agree on the potential impact of this missense change (SIFT: "Deleterious"; PolyPhen-2: "Benign"; Align-GVGD: "Class C0"). This variant has not been reported in the literature in individuals affected with LMBRD1-related conditions. This variant is not present in population databases (gnomAD no frequency). This sequence change replaces leucine, which is neutral and non-polar, with valine, which is neutral and non-polar, at codon 314 of the LMBRD1 protein (p.Leu314Val).